The following is an entry in ClinVar:

NM_002292.4(LAMB2):c.3413T>G (p.Leu1138Trp)

Gene: LAMB2 (laminin subunit beta 2; minus strand). Cytogenetic location: 3p21.31.
Variant type: single nucleotide variant.
Coding change: c.3413T>G on transcript NM_002292.4 (MANE Select); coding-DNA position 3413, T replaced by G.
Protein change: p.Leu1138Trp; replaces leucine 1138 with tryptophan.
Molecular consequence: missense variant.
Genome position (GRCh38, 1-based): chr3:49,124,201, A>C on the plus strand (T>G on the coding strand, the complement: LAMB2 is on the minus strand). VCF-style: chr3-49124201-A-C. GRCh37 (hg19) VCF-style: chr3-49161634-A-C.
Other names: short protein forms L1138W.
Identifiers: ClinVar variation 1022875 (VCV001022875.5), dbSNP rs1404267963, ClinGen allele CA352708871.

ClinVar aggregate classification (germline): Uncertain significance (1 of 4 stars; one submission).

Conditions:
Pierson syndrome. Also called: MICROCORIA-CONGENITAL NEPHROTIC SYNDROME. Identifiers: Orphanet 2670, MedGen C1836876, MONDO:0012184, OMIM 609049.
LAMB2-related infantile-onset nephrotic syndrome. Also called: Nephrotic Syndrome, type 5; NEPHROTIC SYNDROME, TYPE 5, WITHOUT OCULAR ABNORMALITIES; NEPHROTIC SYNDROME, TYPE 5, WITH OCULAR ABNORMALITIES. Identifiers: Orphanet 306507, MedGen C3280113, MONDO:0013621, OMIM 614199.

Allele frequency attached by ClinVar (database versions not stated): gnomAD exomes below 0.00001 and 0.00001.

Submission:

Labcorp Genetics (formerly Invitae), Labcorp
Classification: Uncertain significance for LAMB2-related infantile-onset nephrotic syndrome; Pierson syndrome. Last evaluated: 2023-06-13. Review status: criteria provided, single submitter. Criteria: Invitae Variant Classification Sherloc (09022015). Collection method: clinical testing. Allele origin: germline.
Comment: In summary, the available evidence is currently insufficient to determine the role of this variant in disease. Therefore, it has been classified as a Variant of Uncertain Significance. An algorithm developed to predict the effect of missense changes on protein structure and function (PolyPhen-2) suggests that this variant is likely to be disruptive. ClinVar contains an entry for this variant (Variation ID: 1022875). This variant has not been reported in the literature in individuals affected with LAMB2-related conditions. This variant is present in population databases (no rsID available, gnomAD 0.0009%). This sequence change replaces leucine, which is neutral and non-polar, with tryptophan, which is neutral and slightly polar, at codon 1138 of the LAMB2 protein (p.Leu1138Trp).